The following is an entry in ClinVar:

NM_001077365.2(POMT1):c.1944C>T (p.Leu648=)

Gene: POMT1 (protein O-mannosyltransferase 1; plus strand). Cytogenetic location: 9q34.13.
Variant type: single nucleotide variant.
Coding change: c.1944C>T on transcript NM_001077365.2 (MANE Select); coding-DNA position 1944, C replaced by T.
Protein change: p.Leu648=; no amino-acid change (leucine 648 retained).
Molecular consequence: synonymous variant. On other transcripts: non-coding transcript variant (10).
Genome position (GRCh38, 1-based): chr9:131,522,165, C>T. VCF-style: chr9-131522165-C-T. GRCh37 (hg19) VCF-style: chr9-134397552-C-T.
Other names: c.1782C>T, p.Leu594= (NM_001077366.2, NM_001353194.2); c.1944C>T, p.Leu648= (NM_001136113.2); c.1593C>T, p.Leu531= (NM_001136114.2, NM_001353195.2, NM_001374691.1 and 2 more transcripts); c.2010C>T, p.Leu670= (NM_001353193.2, NM_007171.4); c.1854C>T, p.Leu618= (NM_001353196.2); c.1848C>T, p.Leu616= (NM_001353197.2, NM_001353198.2); c.1659C>T, p.Leu553= (NM_001353199.2); c.1488C>T, p.Leu496= (NM_001353200.2); and 4 more.
Identifiers: ClinVar variation 3052882 (VCV003052882.2), dbSNP rs2539477108, ClinGen allele CA467424081.

ClinVar aggregate classification (germline): Likely benign (0 of 4 stars; one submission).

Conditions:
POMT1-related disorder. Also called: POMT1-related disorders; POMT1-related condition.

Submission:

PreventionGenetics, part of Exact Sciences
Classification: Likely benign for POMT1-related condition. Last evaluated: 2022-04-27. Review status: no assertion criteria provided. Collection method: clinical testing. Allele origin: germline.
Comment: This variant is classified as likely benign based on ACMG/AMP sequence variant interpretation guidelines (Richards et al. 2015 PMID: 25741868, with internal and published modifications).